The following is an entry in ClinVar:

NM_183357.3(ADCY5):c.25C>G (p.Pro9Ala)

Gene: ADCY5 (adenylate cyclase 5; minus strand). Cytogenetic location: 3q21.1.
Variant type: single nucleotide variant.
Coding change: c.25C>G on transcript NM_183357.3 (MANE Select); coding-DNA position 25, C replaced by G.
Protein change: p.Pro9Ala; replaces proline 9 with alanine.
Molecular consequence: missense variant.
Genome position (GRCh38, 1-based): chr3:123,448,521, G>C on the plus strand (C>G on the coding strand, the complement: ADCY5 is on the minus strand). VCF-style: chr3-123448521-G-C. GRCh37 (hg19) VCF-style: chr3-123167368-G-C.
Other names: c.25C>G, p.Pro9Ala (NM_001378259.1); short protein forms P9A.
Identifiers: ClinVar variation 2102856 (VCV002102856.4), dbSNP rs1382254140, ClinGen allele CA354359073.

ClinVar aggregate classification (germline): Uncertain significance (1 of 4 stars; one submission).

gnomAD v4.1: 1 of 1,266,204 alleles (0.000079%); highest among the groups gnomAD compares: African/African-American, 0.0015%; no homozygotes.

Submission:

Labcorp Genetics (formerly Invitae), Labcorp
Classification: Uncertain significance. Last evaluated: 2022-02-24. Review status: criteria provided, single submitter. Criteria: Invitae Variant Classification Sherloc (09022015). Collection method: clinical testing. Allele origin: germline.
Comment: In summary, the available evidence is currently insufficient to determine the role of this variant in disease. Therefore, it has been classified as a Variant of Uncertain Significance. Advanced modeling of protein sequence and biophysical properties (such as structural, functional, and spatial information, amino acid conservation, physicochemical variation, residue mobility, and thermodynamic stability) performed at Invitae indicates that this missense variant is not expected to disrupt ADCY5 protein function. This variant has not been reported in the literature in individuals affected with ADCY5-related conditions. This variant is not present in population databases (gnomAD no frequency). This sequence change replaces proline, which is neutral and non-polar, with alanine, which is neutral and non-polar, at codon 9 of the ADCY5 protein (p.Pro9Ala).